The following is an entry in ClinVar:

NM_001035.3(RYR2):c.9808T>A (p.Ser3270Thr)

Gene: RYR2 (ryanodine receptor 2; plus strand). Cytogenetic location: 1q43.
Variant type: single nucleotide variant.
Coding change: c.9808T>A on transcript NM_001035.3 (MANE Select); coding-DNA position 9808, T replaced by A.
Protein change: p.Ser3270Thr; replaces serine 3270 with threonine.
Molecular consequence: missense variant.
Genome position (GRCh38, 1-based): chr1:237,707,176, T>A. VCF-style: chr1-237707176-T-A. GRCh37 (hg19) VCF-style: chr1-237870476-T-A.
Other names: short protein forms S3270T.
Identifiers: ClinVar variation 1719729 (VCV001719729.6), dbSNP rs2547402806, ClinGen allele CA345409088.

ClinVar aggregate classification (germline): Uncertain significance (1 of 4 stars; one submission).

Conditions:
Catecholaminergic polymorphic ventricular tachycardia 1. Also called: VENTRICULAR TACHYCARDIA, CATECHOLAMINERGIC POLYMORPHIC, 1, WITH OR WITHOUT ATRIAL DYSFUNCTION AND/OR DILATED CARDIOMYOPATHY; VENTRICULAR TACHYCARDIA, STRESS-INDUCED POLYMORPHIC 1; RYR2-Related Catecholaminergic Polymorphic Ventricular Tachycardia. Identifiers: Orphanet 3286, MedGen C1631597, MONDO:0011484, OMIM 604772.

Submission:

Labcorp Genetics (formerly Invitae), Labcorp
Classification: Uncertain significance for Catecholaminergic polymorphic ventricular tachycardia 1. Last evaluated: 2022-09-18. Review status: criteria provided, single submitter. Criteria: Invitae Variant Classification Sherloc (09022015). Collection method: clinical testing. Allele origin: germline.
Comment: This sequence change replaces serine, which is neutral and polar, with threonine, which is neutral and polar, at codon 3270 of the RYR2 protein (p.Ser3270Thr). This variant is not present in population databases (gnomAD no frequency). In summary, the available evidence is currently insufficient to determine the role of this variant in disease. Therefore, it has been classified as a Variant of Uncertain Significance. Advanced modeling of protein sequence and biophysical properties (such as structural, functional, and spatial information, amino acid conservation, physicochemical variation, residue mobility, and thermodynamic stability) performed at Invitae indicates that this missense variant is not expected to disrupt RYR2 protein function. This variant has not been reported in the literature in individuals affected with RYR2-related conditions.